The following is an entry in ClinVar:

ClinVar aggregate classification (germline): Conflicting classifications of pathogenicity. Review status: criteria provided, conflicting classifications (1 of 4 stars). 3 submissions from 3 submitters: Uncertain significance (2); Likely benign (1). Last evaluated 2025-07-30.

Conditions:
Intellectual disability, autosomal dominant 16 (CSS4). Also called: COFFIN-SIRIS SYNDROME 4. Identifiers: Orphanet 1465, MedGen C3553249, MONDO:0013821, OMIM 614609.
Rhabdoid tumor predisposition syndrome 2 (RTPS2). Identifiers: Orphanet 231108, Orphanet 69077, MedGen C2750074, MONDO:0013224, OMIM 613325.
Hereditary cancer-predisposing syndrome. Also called: Hereditary neoplastic syndrome; Neoplastic Syndromes, Hereditary; Tumor predisposition; Hereditary Cancer Syndrome. Identifiers: Orphanet 140162, MedGen C0027672, MeSH D009386, MONDO:0015356.

Allele frequency attached by ClinVar (database versions not stated): gnomAD exomes below 0.00001.
gnomAD v4.1: 2 of 1,586,928 alleles (0.00013%); highest among the groups gnomAD compares: Non-Finnish European, 0.00017%; no homozygotes.

Submissions (3):

Labcorp Genetics (formerly Invitae), Labcorp
Classification: Uncertain significance for Rhabdoid tumor predisposition syndrome 2. Last evaluated: 2025-07-30. Review status: criteria provided, single submitter. Criteria: Invitae Variant Classification Sherloc (09022015). Collection method: clinical testing. Allele origin: germline.
Comment: This sequence change replaces valine, which is neutral and non-polar, with isoleucine, which is neutral and non-polar, at codon 1584 of the SMARCA4 protein (p.Val1584Ile). This variant is not present in population databases (gnomAD no frequency). This variant has not been reported in the literature in individuals affected with SMARCA4-related conditions. ClinVar contains an entry for this variant (Variation ID: 470419). Invitae Evidence Modeling of protein sequence and biophysical properties (such as structural, functional, and spatial information, amino acid conservation, physicochemical variation, residue mobility, and thermodynamic stability) has been performed for this missense variant. However, the output from this modeling did not meet the statistical confidence thresholds required to predict the impact of this variant on SMARCA4 protein function. In summary, the available evidence is currently insufficient to determine the role of this variant in disease. Therefore, it has been classified as a Variant of Uncertain Significance.

Ambry Genetics
Classification: Likely benign for Hereditary cancer-predisposing syndrome. Last evaluated: 2023-12-08. Review status: criteria provided, single submitter. Criteria: Ambry Variant Classification Scheme 2023. Collection method: clinical testing. Allele origin: germline.

Genome-Nilou Lab
Classification: Uncertain significance for Intellectual disability, autosomal dominant 16. Last evaluated: 2021-07-15. Review status: criteria provided, single submitter. Criteria: ACMG Guidelines, 2015. Collection method: clinical testing. Allele origin: germline. Affected: no.

NM_003072.5(SMARCA4):c.4654G>A (p.Val1552Ile)

Gene: SMARCA4 (SWI/SNF related BAF chromatin remodeling complex subunit ATPase 4; plus strand). Cytogenetic location: 19p13.2.
Variant type: single nucleotide variant.
Coding change: c.4654G>A on transcript NM_003072.5 (MANE Select); coding-DNA position 4654, G replaced by A.
Protein change: p.Val1552Ile; replaces valine 1552 with isoleucine.
Molecular consequence: missense variant. On other transcripts: non-coding transcript variant (1).
Genome position (GRCh38, 1-based): chr19:11,059,771, G>A. VCF-style: chr19-11059771-G-A. GRCh37 (hg19) VCF-style: chr19-11170447-G-A.
Other names: c.4654G>A, p.Val1552Ile (NM_001128844.3); c.4564G>A, p.Val1522Ile (NM_001128845.2); c.4561G>A, p.Val1521Ile (NM_001128846.2); c.4555G>A, p.Val1519Ile (NM_001128847.4, NM_001374457.1); c.4552G>A, p.Val1518Ile (NM_001128848.2); c.4750G>A, p.Val1584Ile (NM_001128849.3, NM_001387283.1); short protein forms V1584I, V1518I, V1519I, V1521I, V1522I, V1552I.
Identifiers: ClinVar variation 470419 (VCV000470419.17), dbSNP rs1555795880, ClinGen allele CA404079222.